The following is an entry in ClinVar:

NM_004385.5(VCAN):c.3941C>G (p.Ala1314Gly)

Gene: VCAN (versican; plus strand). Cytogenetic location: 5q14.3.
Variant type: single nucleotide variant.
Coding change: c.3941C>G on transcript NM_004385.5 (MANE Select); coding-DNA position 3941, C replaced by G.
Protein change: p.Ala1314Gly; replaces alanine 1314 with glycine.
Molecular consequence: missense variant. On other transcripts: intron variant (2).
Genome position (GRCh38, 1-based): chr5:83,522,247, C>G. VCF-style: chr5-83522247-C-G. GRCh37 (hg19) VCF-style: chr5-82818066-C-G.
Other names: c.3941C>G, p.Ala1314Gly (NM_001164098.2); c.1042+9851C>G (NM_001164097.2, NM_001126336.3); c.3941C>G (NM_004385.4); short protein forms A1314G.
Identifiers: ClinVar variation 2992021 (VCV002992021.4), dbSNP rs903185366, ClinGen allele CA121794263.

ClinVar aggregate classification (germline): Uncertain significance. Review status: criteria provided, multiple submitters, no conflicts (2 of 4 stars). 2 submissions from 2 submitters: Uncertain significance (2). Last evaluated 2024-03-19.

Conditions:
Inborn genetic diseases. Identifiers: MedGen C0950123, MeSH D030342.

Allele frequency attached by ClinVar (database versions not stated): gnomAD 0.00003; TOPMed 0.00003.
gnomAD v4.1: 4 of 1,600,236 alleles (0.00025%); highest among the groups gnomAD compares: African/African-American, 0.0053%; no homozygotes.

Submissions (2):

Ambry Genetics
Classification: Uncertain significance for Inborn genetic diseases. Last evaluated: 2024-03-19. Review status: criteria provided, single submitter. Criteria: Ambry Variant Classification Scheme 2023. Collection method: clinical testing. Allele origin: germline.

Labcorp Genetics (formerly Invitae), Labcorp
Classification: Uncertain significance. Last evaluated: 2023-02-05. Review status: criteria provided, single submitter. Criteria: Invitae Variant Classification Sherloc (09022015). Collection method: clinical testing. Allele origin: germline.
Comment: This variant has not been reported in the literature in individuals affected with VCAN-related conditions. The frequency data for this variant in the population databases is considered unreliable, as metrics indicate poor data quality at this position in the gnomAD database. This sequence change replaces alanine, which is neutral and non-polar, with glycine, which is neutral and non-polar, at codon 1314 of the VCAN protein (p.Ala1314Gly). Algorithms developed to predict the effect of missense changes on protein structure and function (SIFT, PolyPhen-2, Align-GVGD) all suggest that this variant is likely to be tolerated. In summary, the available evidence is currently insufficient to determine the role of this variant in disease. Therefore, it has been classified as a Variant of Uncertain Significance.